The following is an entry in ClinVar:

NM_032387.5(WNK4):c.2413TCT[1] (p.Ser806del)

Gene: WNK4 (WNK lysine deficient protein kinase 4; plus strand). Cytogenetic location: 17q21.2.
Variant type: Microsatellite.
Coding change: c.2413TCT[1] on transcript NM_032387.5 (MANE Select); one copy of the 3-base unit TCT starting at c.2413; the reference has two copies in a row; one copy, 3 bases deleted; also written c.2416_2418del.
Protein change: p.Ser806del; deletes serine 806.
Molecular consequence: inframe deletion.
Genome position (GRCh38, 1-based): chr17:42,794,837-42,794,839, TCT deleted; deleting any 3 consecutive bases within chr17:42,794,834-42,794,839 gives the same sequence; the position shown is the placement nearest the transcript's 3' end. VCF-style (leftmost placement, unchanged base first): chr17-42794833-ATCT-A. GRCh37 (hg19) VCF-style: chr17-40946851-ATCT-A.
Other names: p.Ser806del; c.2416_2418del (NM_032387.4, NM_032387.5); c.1405TCT[1], p.Ser470del (NM_001321299.2); short protein forms S470del, S806del.
Identifiers: ClinVar variation 718800 (VCV000718800.11), dbSNP rs554465446, ClinGen allele CA8584383.

ClinVar aggregate classification (germline): Benign/Likely benign. Review status: criteria provided, multiple submitters, no conflicts (2 of 4 stars). 4 submissions from 4 submitters: Benign (2); Likely benign (2). Last evaluated 2026-08-01.

Submissions (4):

CeGaT Center for Human Genetics Tuebingen
Classification: Likely benign. Last evaluated: 2026-08-01. Review status: criteria provided, single submitter. Criteria: CeGaT Center For Human Genetics Tuebingen Variant Classification Criteria Version 2. Collection method: clinical testing. Allele origin: germline. Affected: yes. Observed: 1 variant allele.
Comment: WNK4: PM4:Supporting, BS1

Labcorp Genetics (formerly Invitae), Labcorp
Classification: Benign. Last evaluated: 2026-01-13. Review status: criteria provided, single submitter. Criteria: Invitae Variant Classification Sherloc (09022015). Collection method: clinical testing. Allele origin: germline.

Blueprint Genetics
Classification: Likely benign. Last evaluated: 2024-09-19. Review status: criteria provided, single submitter. Criteria: ACMG Guidelines, 2015. Collection method: clinical testing. Allele origin: germline.

Mayo Clinic Laboratories, Mayo Clinic
Classification: Benign. Last evaluated: 2023-02-01. Review status: criteria provided, single submitter. Criteria: ACMG Guidelines, 2015. Collection method: clinical testing. Allele origin: germline. Observed: 4 variant alleles.
Comment: BS1, BS2, BP3